The following is an entry in ClinVar:

ClinVar aggregate classification (germline): Pathogenic/Likely pathogenic. Review status: criteria provided, multiple submitters, no conflicts (2 of 4 stars). 3 submissions from 3 submitters: Pathogenic (2); Likely pathogenic (1). Last evaluated 2024-06-19.

Conditions:
Spinal muscular atrophy with congenital bone fractures 2 (SMABF2). Identifiers: MedGen C4225176, MONDO:0014807, OMIM 616867.

Allele frequency attached by ClinVar (database versions not stated): TOPMed below 0.00001; ExAC 0.00001; gnomAD 0.00001; gnomAD exomes 0.00001 and 0.00002.
gnomAD v4.1: 11 of 1,614,040 alleles (0.00068%); highest among the groups gnomAD compares: South Asian, 0.0099%; no homozygotes.

Submissions (3):

Labcorp Genetics (formerly Invitae), Labcorp
Classification: Pathogenic. Last evaluated: 2024-06-19. Review status: criteria provided, single submitter. Criteria: Invitae Variant Classification Sherloc (09022015). Collection method: clinical testing. Allele origin: germline.
Comment: This sequence change creates a premature translational stop signal (p.Gln195*) in the ASCC1 gene. It is expected to result in an absent or disrupted protein product. Loss-of-function variants in ASCC1 are known to be pathogenic (PMID: 30327447). This variant is present in population databases (rs769501930, gnomAD 0.01%). This variant has not been reported in the literature in individuals affected with ASCC1-related conditions. ClinVar contains an entry for this variant (Variation ID: 1333815). For these reasons, this variant has been classified as Pathogenic.

Victorian Clinical Genetics Services, Murdoch Childrens Research Institute
Classification: Pathogenic for Spinal muscular atrophy with congenital bone fractures 2. Last evaluated: 2021-05-06. Review status: criteria provided, single submitter. Criteria: ACMG Guidelines, 2015. Collection method: clinical testing. Allele origin: germline. Inheritance: Autosomal recessive inheritance. Affected: yes.
Comment: Based on the classification scheme VCGS_Germline_v1.3.4, this variant is classified as Pathogenic. Following criteria are met: 0102 - Loss of function is a known mechanism of disease in this gene and is associated with spinal muscular atrophy with congenital bone fractures 2 (MIM#616867). (I) 0106 - This gene is associated with autosomal recessive disease. (I) 0201 - Variant is predicted to cause nonsense-mediated decay (NMD) and loss of protein (premature termination codon is located at least 54 nucleotides upstream of the final exon-exon junction). (SP) 0251 - This variant is heterozygous. (I) 0304 - Variant is present in gnomAD (v2) <0.01 for a recessive condition (4 heterozygotes, 0 homozygotes). (SP) 0702 - Other NMD-predicted variants comparable to the one identified in this case have strong previous evidence for pathogenicity. These variants have been reported several times as pathogenic, and observed in homozygous or compound heterozygous patients with spinal muscular atrophy with congenital bone fractures (ClinVar, PMID: 30327447, PMID: 31880396, PMID: 32160656). (SP) 0807 - This variant has no previous evidence of pathogenicity. (I) 0905 - No published segregation evidence has been identified for this variant. (I) 1007 - No published functional evidence has been identified for this variant. (I) Legend: (SP) - Supporting pathogenic, (I) - Information, (SB) - Supporting benign

CENTOGENE GmbH and LLC - Guiding Precision Medicine
Classification: Likely pathogenic for Spinal muscular atrophy with congenital bone fractures 2. Last evaluated: 2017-09-12. Review status: criteria provided, single submitter. Criteria: ACMG Guidelines, 2015. Collection method: clinical testing. Allele origin: biparental. Affected: yes.

Literature cited by the submitters: PubMed 30327447 (cited by Labcorp Genetics (formerly Invitae), Labcorp and Victorian Clinical Genetics Services, Murdoch Childrens Research Institute); PubMed 31880396 (cited by Victorian Clinical Genetics Services, Murdoch Childrens Research Institute); PubMed 32160656 (cited by Victorian Clinical Genetics Services, Murdoch Childrens Research Institute).

NM_001198800.3(ASCC1):c.583C>T (p.Gln195Ter)

Gene: ASCC1 (activating signal cointegrator 1 complex subunit 1; minus strand). Cytogenetic location: 10q22.1.
Variant type: single nucleotide variant.
Coding change: c.583C>T on transcript NM_001198800.3 (MANE Select); coding-DNA position 583, C replaced by T.
Protein change: p.Gln195Ter; replaces glutamine 195 with a stop codon.
Molecular consequence: nonsense. On other transcripts: non-coding transcript variant (1).
Genome position (GRCh38, 1-based): chr10:72,161,581, G>A on the plus strand (C>T on the coding strand, the complement: ASCC1 is on the minus strand). VCF-style: chr10-72161581-G-A. GRCh37 (hg19) VCF-style: chr10-73921339-G-A.
Other names: c.583C>T, p.Gln195Ter (NM_001369094.1, NM_001369095.1, NM_001369096.1 and 18 more transcripts); c.649C>T, p.Gln217Ter (NM_001369099.1, NM_001369085.1, NM_001369086.1); c.466C>T, p.Gln156Ter (NM_001369101.1, NM_001369102.1, NM_001369105.1 and 2 more transcripts); c.667C>T, p.Gln223Ter (NM_001198799.3); c.583C>T (NM_001198800.2); short protein forms Q156*, Q195*, Q217*, Q223*.
Identifiers: ClinVar variation 1333815 (VCV001333815.5), dbSNP rs769501930, ClinGen allele CA5548986.